The following is an entry in ClinVar:

NM_004168.4(SDHA):c.1873C>T (p.His625Tyr)

Gene: SDHA (succinate dehydrogenase complex flavoprotein subunit A; plus strand). Cytogenetic location: 5p15.33.
Variant type: single nucleotide variant.
Coding change: c.1873C>T on transcript NM_004168.4 (MANE Select); coding-DNA position 1873, C replaced by T.
Protein change: p.His625Tyr; replaces histidine 625 with tyrosine.
Molecular consequence: missense variant.
Genome position (GRCh38, 1-based): chr5:254,471, C>T. VCF-style: chr5-254471-C-T. GRCh37 (hg19) VCF-style: chr5-254586-C-T.
Other names: c.1873C>T (NM_004168.2); c.1729C>T, p.His577Tyr (NM_001294332.2); c.1630C>T, p.His544Tyr (NM_001330758.2); short protein forms H625Y, H544Y, H577Y.
Identifiers: ClinVar variation 472364 (VCV000472364.11), dbSNP rs1554002483, ClinGen allele CA359002059.

ClinVar aggregate classification (germline): Conflicting classifications of pathogenicity. Review status: criteria provided, conflicting classifications (1 of 4 stars). 3 submissions from 3 submitters: Likely pathogenic (2); Uncertain significance (1). Last evaluated 2026-03-13.

Conditions:
Mitochondrial complex II deficiency, nuclear type 1. Also called: SUCCINATE CoQ REDUCTASE DEFICIENCY. Identifiers: Orphanet 3208, MedGen C5700310, MONDO:0100294, OMIM 252011.
Pheochromocytoma/paraganglioma syndrome 5. Also called: Paragangliomas 5; SDHA-Related Hereditary Paraganglioma-Pheochromocytoma Syndrome. Identifiers: Orphanet 29072, MedGen C3279992, MONDO:0013602, OMIM 614165.
Hereditary cancer-predisposing syndrome. Also called: Neoplastic Syndromes, Hereditary; Hereditary Cancer Syndrome; Hereditary neoplastic syndrome; Tumor predisposition. Identifiers: Orphanet 140162, MedGen C0027672, MeSH D009386, MONDO:0015356.

Submissions (3):

Myriad Genetics, Inc.
Classification: Likely pathogenic for Pheochromocytoma/paraganglioma syndrome 5. Last evaluated: 2026-03-13. Review status: criteria provided, single submitter. Criteria: Myriad Autosomal Dominant, Autosomal Recessive and X-Linked Classification Criteria (2023). Collection method: clinical testing. Allele origin: unknown.
Comment: This variant is considered likely pathogenic. Functional studies indicate this variant impacts protein function [PMID: 39321216]. This variant is expected to disrupt protein structure [Myriad internal data]. This variant has been reported in multiple individuals with clinical features of gene-specific disease [PMID: 23633203].

Ambry Genetics
Classification: Likely pathogenic for Hereditary cancer-predisposing syndrome. Last evaluated: 2025-11-12. Review status: criteria provided, single submitter. Criteria: Ambry Variant Classification Scheme 2023. Collection method: clinical testing. Allele origin: germline.
Comment: The p.H625Y variant (also known as c.1873C>T), located in coding exon 14 of the SDHA gene, results from a C to T substitution at nucleotide position 1873. The histidine at codon 625 is replaced by tyrosine, an amino acid with similar properties. In an assay testing SDHA function, this variant showed a functionally abnormal result (Kent JD et al. Clin Cancer Res, 2024 Dec;30:5399-5412). This variant was reported in individual(s) with features consistent with SDHA-related hereditary pheochromocytoma-paraganglioma (Dwight T et al. J Clin Endocrinol Metab, 2013 Jun;98:E1103-8). This amino acid position is highly conserved in available vertebrate species. In addition, this alteration is predicted to be deleterious by in silico analysis. This variant is considered to be rare based on population cohorts in the Genome Aggregation Database (gnomAD). Based on the majority of available evidence to date, this variant is likely to be pathogenic.

Labcorp Genetics (formerly Invitae), Labcorp
Classification: Uncertain significance for Pheochromocytoma/paraganglioma syndrome 5; Mitochondrial complex II deficiency, nuclear type 1. Last evaluated: 2022-03-07. Review status: criteria provided, single submitter. Criteria: Invitae Variant Classification Sherloc (09022015). Collection method: clinical testing. Allele origin: germline.
Comment: This sequence change replaces histidine, which is basic and polar, with tyrosine, which is neutral and polar, at codon 625 of the SDHA protein (p.His625Tyr). This variant is not present in population databases (gnomAD no frequency). This missense change has been observed in individual(s) with carotid body paraganglioma and pituitary macroadenoma (PMID: 23633203). ClinVar contains an entry for this variant (Variation ID: 472364). Algorithms developed to predict the effect of missense changes on protein structure and function (SIFT, PolyPhen-2, Align-GVGD) all suggest that this variant is likely to be disruptive. In summary, the available evidence is currently insufficient to determine the role of this variant in disease. Therefore, it has been classified as a Variant of Uncertain Significance.

Literature cited by the submitters: PubMed 39321216 (cited by Myriad Genetics, Inc. and Ambry Genetics); PubMed 23633203 (cited by 3 submitters).